The following is an entry in ClinVar:

NM_017770.4(ELOVL2):c.332G>A (p.Arg111Gln)

Gene: ELOVL2 (ELOVL fatty acid elongase 2; minus strand). Cytogenetic location: 6p24.2.
Variant type: single nucleotide variant.
Coding change: c.332G>A on transcript NM_017770.4 (MANE Select); coding-DNA position 332, G replaced by A.
Protein change: p.Arg111Gln; replaces arginine 111 with glutamine.
Molecular consequence: missense variant.
Genome position (GRCh38, 1-based): chr6:11,000,088, C>T on the plus strand (G>A on the coding strand, the complement: ELOVL2 is on the minus strand). VCF-style: chr6-11000088-C-T. GRCh37 (hg19) VCF-style: chr6-11000321-C-T.
Other names: short protein forms R111Q.
Identifiers: ClinVar variation 4248463 (VCV004248463.3).
Genomic context (GRCh38, chr6:11,000,088, plus strand): 5'-CTCCTCTCCTTGTCAATGGGAACTGGTTATAGTTGGTTGATTTGCTTCTAGTGGCTCACC[C>T]GGATGTCAGCTTCCCCTGCGCTGGTAAGATCTTGACACTGTAAGTTGTAGCCTCCTTCCC-3'
Protein context (NP_060240.3, residues 101-121): DLTSAGEADI[Arg111Gln]VAKVLWWYYF

ClinVar aggregate classification (germline): Uncertain significance. Review status: criteria provided, multiple submitters, no conflicts (2 of 4 stars). 2 submissions from 2 submitters: Uncertain significance (2). Last evaluated 2026-01-28.

gnomAD v4.1: 19 of 1,613,884 alleles (0.0012%); highest among the groups gnomAD compares: East Asian, 0.02%; no homozygotes.

Submissions (2):

Dasa
Classification: Uncertain significance. Last evaluated: 2026-01-28. Review status: criteria provided, single submitter. Criteria: DASA Assertion Criteria. Collection method: clinical testing. Allele origin: germline.
Comment: NM_017770.4(ELOVL2):c.332G>A (p.Arg111Gln) is a missense variant that results in the substitution of arginine with glutamine. This variant is rare in population databases. Computational prediction algorithms are consistent with a deleterious effect. The currently available literature and clinical evidence are not sufficient to establish a definitive association between this variant and the reported condition. Therefore, this variant is classified as a variant of uncertain significance.

Ambry Genetics
Classification: Uncertain significance. Last evaluated: 2025-09-09. Review status: criteria provided, single submitter. Criteria: Ambry Variant Classification Scheme 2023. Collection method: clinical testing. Allele origin: germline.